The following is an entry in ClinVar:

NM_002291.3(LAMB1):c.1407G>A (p.Gly469=)

Gene: LAMB1 (laminin subunit beta 1; minus strand). Cytogenetic location: 7q31.1.
Variant type: single nucleotide variant.
Coding change: c.1407G>A on transcript NM_002291.3 (MANE Select); coding-DNA position 1407, G replaced by A.
Protein change: p.Gly469=; no amino-acid change (glycine 469 retained).
Molecular consequence: synonymous variant.
Genome position (GRCh38, 1-based): chr7:107,975,061, C>T on the plus strand (G>A on the coding strand, the complement: LAMB1 is on the minus strand). VCF-style: chr7-107975061-C-T. GRCh37 (hg19) VCF-style: chr7-107615506-C-T.
Identifiers: ClinVar variation 380839 (VCV000380839.11), dbSNP rs11770141, ClinGen allele CA4436031.

ClinVar aggregate classification (germline): Benign. Review status: criteria provided, multiple submitters, no conflicts (2 of 4 stars). 3 submissions from 3 submitters: Benign (3). Last evaluated 2026-02-02.

Allele frequency attached by ClinVar (database versions not stated): ESP Exome Variant Server 0.09488; 1000 Genomes Project 30x 0.10072; ExAC 0.10127; TOPMed 0.10238; gnomAD exomes 0.10300; 1000 Genomes Project 0.09724.
gnomAD v4.1: 153,833 of 1,612,068 alleles (9.5%); highest among the groups gnomAD compares: Admixed American, 16%; 7,912 homozygotes.

Submissions (3):

Labcorp Genetics (formerly Invitae), Labcorp
Classification: Benign. Last evaluated: 2026-02-02. Review status: criteria provided, single submitter. Criteria: Invitae Variant Classification Sherloc (09022015). Collection method: clinical testing. Allele origin: germline.

GeneDx
Classification: Benign. Last evaluated: 2016-01-19. Review status: criteria provided, single submitter. Criteria: GeneDx Variant Classification (06012015). Collection method: clinical testing. Allele origin: germline. Affected: yes.
Comment: This variant is considered likely benign or benign based on one or more of the following criteria: it is a conservative change, it occurs at a poorly conserved position in the protein, it is predicted to be benign by multiple in silico algorithms, and/or has population frequency not consistent with disease.

Breakthrough Genomics
Classification: Benign. Review status: criteria provided, single submitter. Criteria: ACMG Guidelines, 2015. Collection method: not provided. Allele origin: germline. Inheritance: Autosomal recessive inheritance. Affected: yes.